The following is an entry in ClinVar:

NR_001566.3(TERC):n.26_32delGGGTGGT

Genes: TERC (telomerase RNA component; minus strand), LOC110806306 (telomerase RNA component (TERC) promoter; plus strand). Cytogenetic location: 3q26.2.
Variant type: Deletion.
Genome position: GRCh38 VCF-style: chr3-169765026-GCCACCAC-G. GRCh37 (hg19) VCF-style: chr3-169482814-GCCACCAC-G.
Other names: NR_001566.1:r.28_34del7 (delta28-34).
Identifiers: ClinVar variation 39287 (VCV000039287.3), dbSNP rs199422259, ClinGen allele CA343759.

ClinVar aggregate classification (germline): Pathogenic (0 of 4 stars; one submission).

Conditions:
Aplastic anemia. Identifiers: Orphanet 182040, Orphanet 88, MedGen C0002874, MONDO:0015909, OMIM 609135, HP:0001915.

Submission:

GeneReviews
Classification: Pathogenic for Dyskeratosis Congenita. Last evaluated: 2012-05-10. Review status: no assertion criteria provided. Collection method: curation. Allele origin: unknown.
ClinVar note: Converted during submission from pathologic to Pathogenic.